The following is an entry in ClinVar:

NM_017777.4(MKS1):c.1671G>C (p.Leu557=)

Gene: MKS1 (MKS transition zone complex subunit 1; minus strand). Cytogenetic location: 17q22.
Variant type: single nucleotide variant.
Coding change: c.1671G>C on transcript NM_017777.4 (MANE Select); coding-DNA position 1671, G replaced by C.
Protein change: p.Leu557=; no amino-acid change (leucine 557 retained).
Molecular consequence: synonymous variant. On other transcripts: missense variant (1), 3 prime UTR variant (1).
Genome position (GRCh38, 1-based): chr17:58,206,088, C>G on the plus strand (G>C on the coding strand, the complement: MKS1 is on the minus strand). VCF-style: chr17-58206088-C-G. GRCh37 (hg19) VCF-style: chr17-56283449-C-G.
Other names: p.L557L:CTG>CTC; NM_001165927.1:c.1641G>C; p.Leu557=; c.1062G>C, p.Leu354= (NM_001321268.2); c.1588G>C, p.Gly530Arg (NM_001321269.2); c.*83G>C (NM_001330397.2); short protein forms G530R.
Identifiers: ClinVar variation 126272 (VCV000126272.28), dbSNP rs11548967, ClinGen allele CA150933.

ClinVar aggregate classification (germline): Benign. Review status: criteria provided, multiple submitters, no conflicts (2 of 4 stars). 12 submissions from 10 submitters: Benign (10). 2 of the submissions do not count toward it. Last evaluated 2026-02-04.

Conditions:
Joubert syndrome. Also called: Familial aplasia of the vermis; JOUBERT-BOLTSHAUSER SYNDROME. Identifiers: Orphanet 475, MedGen C5979921, MONDO:0018772.
Meckel-Gruber syndrome. Also called: Dysencephalia splachnocystica; GRUBER SYNDROME; DYSENCEPHALIA SPLANCHNOCYSTICA. Identifiers: Orphanet 564, MedGen C0265215, MONDO:0018921.
Meckel syndrome, type 1 (MKS1). Also called: MECKEL-GRUBER SYNDROME, TYPE 1. Identifiers: Orphanet 564, MedGen C3714506, MONDO:0009571, OMIM 249000.
Bardet-Biedl syndrome 13 (BBS13). Identifiers: Orphanet 110, MedGen C2673873, MONDO:0014441, OMIM 615990.

Allele frequency attached by ClinVar (database versions not stated): 1000 Genomes Project 0.06090; gnomAD 0.06374; 1000 Genomes Project 30x 0.06449; ESP Exome Variant Server 0.06612; TOPMed 0.06861.
gnomAD v4.1: 54,063 of 1,611,270 alleles (3.4%); highest among the groups gnomAD compares: African/African-American, 16%; 1,584 homozygotes.

Submissions (12):

Labcorp Genetics (formerly Invitae), Labcorp
Classification: Benign for Joubert syndrome; Meckel-Gruber syndrome. Last evaluated: 2026-02-04. Review status: criteria provided, single submitter. Criteria: Invitae Variant Classification Sherloc (09022015). Collection method: clinical testing. Allele origin: germline.

Blueprint Genetics
Classification: Benign. Last evaluated: 2024-11-28. Review status: criteria provided, single submitter. Criteria: ACMG Guidelines, 2015. Collection method: clinical testing. Allele origin: germline.

Mayo Clinic Laboratories, Mayo Clinic
Classification: Benign. Last evaluated: 2023-04-03. Review status: criteria provided, single submitter. Criteria: ACMG Guidelines, 2015. Collection method: clinical testing. Allele origin: germline. Observed: 63 variant alleles.

Genome-Nilou Lab
Classification: Benign for Bardet-Biedl syndrome 13. Last evaluated: 2021-07-08. Review status: criteria provided, single submitter. Criteria: ACMG Guidelines, 2015. Collection method: clinical testing. Allele origin: germline. Affected: no.

Genome-Nilou Lab
Classification: Benign for Meckel syndrome, type 1. Last evaluated: 2021-07-08. Review status: criteria provided, single submitter. Criteria: ACMG Guidelines, 2015. Collection method: clinical testing. Allele origin: germline. Affected: no.

Illumina Laboratory Services, Illumina
Classification: Benign for Meckel syndrome, type 1. Last evaluated: 2018-01-12. Review status: criteria provided, single submitter. Criteria: ICSL Variant Classification Criteria 13 December 2019. Collection method: clinical testing. Allele origin: germline.
Comment: This variant was observed in the ICSL laboratory as part of a predisposition screen in an ostensibly healthy population. It had not been previously curated by ICSL or reported in the Human Gene Mutation Database (HGMD: prior to June 1st, 2018), and was therefore a candidate for classification through an automated scoring system. Utilizing variant allele frequency, disease prevalence and penetrance estimates, and inheritance mode, an automated score was calculated to assess if this variant is too frequent to cause the disease. Based on the score and internal cut-off values, a variant classified as benign is not then subjected to further curation. The score for this variant resulted in a classification of benign for this disease.

Illumina Laboratory Services, Illumina
Classification: Benign for Bardet-Biedl syndrome 13. Last evaluated: 2018-01-12. Review status: criteria provided, single submitter. Criteria: ICSL Variant Classification Criteria 13 December 2019. Collection method: clinical testing. Allele origin: germline.
Comment: the same text as in the submission from Illumina Laboratory Services, Illumina above.

GeneDx
Classification: Benign. Last evaluated: 2013-12-20. Review status: criteria provided, single submitter. Criteria: GeneDx Variant Classification (06012015). Collection method: clinical testing. Allele origin: germline. Affected: yes.
Comment: This variant is considered likely benign or benign based on one or more of the following criteria: it is a conservative change, it occurs at a poorly conserved position in the protein, it is predicted to be benign by multiple in silico algorithms, and/or has population frequency not consistent with disease.

Breakthrough Genomics
Classification: Benign. Review status: criteria provided, single submitter. Criteria: ACMG Guidelines, 2015. Collection method: not provided. Allele origin: germline. Inheritance: Autosomal recessive inheritance. Affected: yes.

PreventionGenetics, part of Exact Sciences
Classification: Benign. Review status: criteria provided, single submitter. Criteria: ACMG Guidelines, 2015. Collection method: clinical testing. Allele origin: germline.

Natera, Inc.
Classification: Benign for Meckel syndrome type 1. Last evaluated: 2020-09-16. Review status: no assertion criteria provided. Collection method: clinical testing. Allele origin: germline. Not counted in ClinVar's aggregate classification.

Genetic Services Laboratory, University of Chicago
Classification: Likely benign for AllHighlyPenetrant. Review status: no assertion criteria provided. Collection method: clinical testing. Allele origin: germline. Inheritance: Autosomal recessive inheritance. Observed: 43 variant alleles. Not counted in ClinVar's aggregate classification.
Comment: Likely benign based on allele frequency in 1000 Genomes Project or ESP global frequency and its presence in a patient with a rare or unrelated disease phenotype. NOT Sanger confirmed.